The following is an entry in ClinVar:

ClinVar aggregate classification (germline): Likely pathogenic (1 of 4 stars; one submission).

Conditions:
Melnick-Fraser syndrome (BOR). Also called: Branchiootorenal Syndrome (BORS); Branchio-oto-renal syndrome; Branchiootorenal syndrome. Identifiers: Orphanet 107, MedGen C0265234, MONDO:0007029.

Allele frequency attached by ClinVar (database versions not stated): gnomAD exomes below 0.00001.
gnomAD v4.1: 1 of 1,614,000 alleles (0.000062%); highest among the groups gnomAD compares: Admixed American, 0.0017%; no homozygotes.

Submission:

Labcorp Genetics (formerly Invitae), Labcorp
Classification: Likely pathogenic for Melnick-Fraser syndrome. Last evaluated: 2023-09-19. Review status: criteria provided, single submitter. Criteria: Invitae Variant Classification Sherloc (09022015). Collection method: clinical testing. Allele origin: germline.
Comment: Algorithms developed to predict the effect of sequence changes on RNA splicing suggest that this variant may disrupt the consensus splice site. In summary, the currently available evidence indicates that the variant is pathogenic, but additional data are needed to prove that conclusively. Therefore, this variant has been classified as Likely Pathogenic. This variant has not been reported in the literature in individuals affected with EYA1-related conditions. This variant is not present in population databases (gnomAD no frequency). This sequence change affects an acceptor splice site in intron 6 of the EYA1 gene. It is expected to disrupt RNA splicing. Variants that disrupt the donor or acceptor splice site typically lead to a loss of protein function (PMID: 16199547), and loss-of-function variants in EYA1 are known to be pathogenic (PMID: 10464653, 18220287).

Literature cited by the submitters: PubMed 16199547; PubMed 10464653; PubMed 18220287.

NM_000503.6(EYA1):c.419-2A>G

Gene: EYA1 (EYA transcriptional coactivator and phosphatase 1; minus strand). Cytogenetic location: 8q13.3.
Variant type: single nucleotide variant.
Coding change: c.419-2A>G on transcript NM_000503.6 (MANE Select); the canonical splice acceptor site of the intron before coding-DNA position 419, A replaced by G.
Molecular consequence: splice acceptor variant. On other transcripts: intron variant (4).
Genome position (GRCh38, 1-based): chr8:71,317,691, T>C on the plus strand (A>G on the coding strand, the complement: EYA1 is on the minus strand). VCF-style: chr8-71317691-T-C. GRCh37 (hg19) VCF-style: chr8-72229926-T-C.
Other names: c.503-17A>G (NM_001370336.1); c.506-2A>G (NM_001370333.1); c.419-2A>G (NM_001370335.1, NM_001370334.1, NM_172058.4); c.506-17A>G (NM_172059.5); c.320-2A>G (NM_001411797.1, NM_172060.4); c.68-17A>G (NM_001288575.2); c.416-17A>G (NM_001288574.2).
Identifiers: ClinVar variation 2917582 (VCV002917582.3), dbSNP rs2537012229, ClinGen allele CA371468200.